The following is an entry in ClinVar:

ClinVar aggregate classification (germline): Pathogenic (1 of 4 stars; one submission).

Conditions:
Retinoblastoma (RB1). Also called: RETINOBLASTOMA, SOMATIC. Identifiers: Orphanet 790, MedGen C0035335, MeSH D012175, MONDO:0008380, OMIM 180200, HP:0009919. Disease mechanism: loss of function. Inheritance: Both sporadic and heritable forms are tested..

Submission:

Genetic Diagnostic Laboratory, University of Pennsylvania School of Medicine
Classification: Pathogenic for Retinoblastoma. Last evaluated: 2024-05-20. Review status: criteria provided, single submitter. Criteria: ACMG Guidelines, 2015. Collection method: clinical testing. Allele origin: germline. Affected: yes. Observed: 1 variant allele.
Comment: Case and Pedigree Information: BILATERAL CASES:0, UNILATERAL CASES:1, TOTAL CASES:1, PEDIGREES:1. ACMG Codes Applied:PVS1, PM2

NM_000321.3(RB1):c.521T>A (p.Leu174Ter)

Gene: RB1 (RB transcriptional corepressor 1; plus strand). Cytogenetic location: 13q14.2.
Variant type: single nucleotide variant.
Coding change: c.521T>A on transcript NM_000321.3 (MANE Select); coding-DNA position 521, T replaced by A.
Protein change: p.Leu174Ter; replaces leucine 174 with a stop codon.
Molecular consequence: nonsense.
Genome position (GRCh38, 1-based): chr13:48,347,845, T>A. VCF-style: chr13-48347845-T-A. GRCh37 (hg19) VCF-style: chr13-48921981-T-A.
Other names: c.521T>A, p.Leu174Ter (NM_001407165.1, NM_001407166.1); short protein forms L174*.
Identifiers: ClinVar variation 3237133 (VCV003237133.1), dbSNP rs2542163684.